The following is an entry in ClinVar:

NM_001375524.1(TRRAP):c.6286A>G (p.Ile2096Val)

Gene: TRRAP (transformation/transcription domain associated protein; plus strand). Cytogenetic location: 7q22.1.
Variant type: single nucleotide variant.
Coding change: c.6286A>G on transcript NM_001375524.1 (MANE Select); coding-DNA position 6286, A replaced by G.
Protein change: p.Ile2096Val; replaces isoleucine 2096 with valine.
Molecular consequence: missense variant.
Genome position (GRCh38, 1-based): chr7:98,958,035, A>G. VCF-style: chr7-98958035-A-G. GRCh37 (hg19) VCF-style: chr7-98555658-A-G.
Other names: c.6265A>G, p.Ile2089Val (NM_001244580.2); c.6211A>G, p.Ile2071Val (NM_003496.4); short protein forms I2071V, I2089V, I2096V.
Identifiers: ClinVar variation 3627416 (VCV003627416.2).

ClinVar aggregate classification (germline): Uncertain significance (1 of 4 stars; one submission).

gnomAD v4.1: 8 of 1,614,092 alleles (0.0005%); highest among the groups gnomAD compares: South Asian, 0.0066%; no homozygotes.

Submission:

Labcorp Genetics (formerly Invitae), Labcorp
Classification: Uncertain significance. Last evaluated: 2024-03-14. Review status: criteria provided, single submitter. Criteria: Invitae Variant Classification Sherloc (09022015). Collection method: clinical testing. Allele origin: germline.
Comment: This sequence change replaces isoleucine, which is neutral and non-polar, with valine, which is neutral and non-polar, at codon 2071 of the TRRAP protein (p.Ile2071Val). This variant is present in population databases (rs781830985, gnomAD 0.003%). This variant has not been reported in the literature in individuals affected with TRRAP-related conditions. Advanced modeling of protein sequence and biophysical properties (such as structural, functional, and spatial information, amino acid conservation, physicochemical variation, residue mobility, and thermodynamic stability) performed at Invitae indicates that this missense variant is not expected to disrupt TRRAP protein function with a negative predictive value of 80%. In summary, the available evidence is currently insufficient to determine the role of this variant in disease. Therefore, it has been classified as a Variant of Uncertain Significance.